The following is an entry in ClinVar:

ClinVar aggregate classification (germline): Uncertain significance (1 of 4 stars; one submission).

Conditions:
Myopathy, proximal, and ophthalmoplegia (CMYO6). Also called: MYOPATHY WITH CONGENITAL JOINT CONTRACTURES, OPHTHALMOPLEGIA, AND RIMMED VACUOLES; CONGENITAL MYOPATHY 6 WITH OPHTHALMOPLEGIA; INCLUSION BODY MYOPATHY 3, AUTOSOMAL DOMINANT. Identifiers: Orphanet 363677, Orphanet 79091, MedGen C1854106, MONDO:0011577, OMIM 605637.

Submission:

Labcorp Genetics (formerly Invitae), Labcorp
Classification: Uncertain significance for Myopathy, proximal, and ophthalmoplegia. Last evaluated: 2024-03-30. Review status: criteria provided, single submitter. Criteria: Invitae Variant Classification Sherloc (09022015). Collection method: clinical testing. Allele origin: germline.
Comment: This sequence change replaces alanine, which is neutral and non-polar, with proline, which is neutral and non-polar, at codon 1840 of the MYH2 protein (p.Ala1840Pro). This variant is not present in population databases (gnomAD no frequency). This variant has not been reported in the literature in individuals affected with MYH2-related conditions. Advanced modeling of protein sequence and biophysical properties (such as structural, functional, and spatial information, amino acid conservation, physicochemical variation, residue mobility, and thermodynamic stability) has been performed at Invitae for this missense variant, however the output from this modeling did not meet the statistical confidence thresholds required to predict the impact of this variant on MYH2 protein function. In summary, the available evidence is currently insufficient to determine the role of this variant in disease. Therefore, it has been classified as a Variant of Uncertain Significance.

NM_017534.6(MYH2):c.5518G>C (p.Ala1840Pro)

Genes: MYH2 (myosin heavy chain 2; minus strand), MYHAS (myosin heavy chain gene cluster antisense RNA; plus strand). Cytogenetic location: 17p13.1.
Variant type: single nucleotide variant.
Coding change: c.5518G>C on transcript NM_017534.6 (MANE Select); coding-DNA position 5518, G replaced by C.
Protein change: p.Ala1840Pro; replaces alanine 1840 with proline.
Molecular consequence: missense variant.
Genome position (GRCh38, 1-based): chr17:10,523,367, C>G on the plus strand (G>C on the coding strand, the complement: MYH2 is on the minus strand). VCF-style: chr17-10523367-C-G. GRCh37 (hg19) VCF-style: chr17-10426684-C-G.
Other names: c.5518G>C, p.Ala1840Pro (NM_001100112.2); short protein forms A1840P.
Identifiers: ClinVar variation 3628686 (VCV003628686.2).